The following is an entry in ClinVar:

ClinVar aggregate classification (germline): Uncertain significance (1 of 4 stars; one submission).

Conditions:
Spastic paraplegia. Identifiers: MedGen C0037772, HP:0001258.

Allele frequency attached by ClinVar (database versions not stated): gnomAD exomes 0.00001; ExAC 0.00001.
gnomAD v4.1: 21 of 1,612,658 alleles (0.0013%); highest among the groups gnomAD compares: South Asian, 0.0033%; no homozygotes.

Submission:

Labcorp Genetics (formerly Invitae), Labcorp
Classification: Uncertain significance for Spastic paraplegia. Last evaluated: 2025-05-05. Review status: criteria provided, single submitter. Criteria: Invitae Variant Classification Sherloc (09022015). Collection method: clinical testing. Allele origin: germline.
Comment: This sequence change replaces aspartic acid, which is acidic and polar, with glycine, which is neutral and non-polar, at codon 443 of the AP4E1 protein (p.Asp443Gly). This variant is present in population databases (rs775692007, gnomAD 0.0009%). This variant has not been reported in the literature in individuals affected with AP4E1-related conditions. ClinVar contains an entry for this variant (Variation ID: 1951583). An algorithm developed to predict the effect of missense changes on protein structure and function outputs the following: PolyPhen-2: "Benign". The glycine amino acid residue is found in multiple mammalian species, which suggests that this missense change does not adversely affect protein function. In summary, the available evidence is currently insufficient to determine the role of this variant in disease. Therefore, it has been classified as a Variant of Uncertain Significance.

NM_007347.5(AP4E1):c.1328A>G (p.Asp443Gly)

Gene: AP4E1 (adaptor related protein complex 4 subunit epsilon 1; plus strand). Cytogenetic location: 15q21.2.
Variant type: single nucleotide variant.
Coding change: c.1328A>G on transcript NM_007347.5 (MANE Select); coding-DNA position 1328, A replaced by G.
Protein change: p.Asp443Gly; replaces aspartic acid 443 with glycine.
Molecular consequence: missense variant.
Genome position (GRCh38, 1-based): chr15:50,949,837, A>G. VCF-style: chr15-50949837-A-G. GRCh37 (hg19) VCF-style: chr15-51242034-A-G.
Other names: c.1103A>G, p.Asp368Gly (NM_001252127.2); short protein forms D443G, D368G.
Identifiers: ClinVar variation 1951583 (VCV001951583.5), dbSNP rs775692007, ClinGen allele CA7559046.
Genomic context (GRCh38, chr15:50,949,837, plus strand): 5'-TTTAATAAGTAGCATTTGGAAGTGTACTTGTTCTTAACACTGTGGACACATATGCTCCTG[A>G]TAATGCATGGTTTATTCAGACAATGAATGCTGTGTTTTCAGTAGGAGGAGATGTAATGCA-3'
Protein context (NP_031373.2, residues 433-453): IAELAEKYAP[Asp443Gly]NAWFIQTMNA